The following is an entry in ClinVar:

NM_001430.5(EPAS1):c.1241T>C (p.Leu414Pro)

Gene: EPAS1 (endothelial PAS domain protein 1; plus strand). Cytogenetic location: 2p21.
Variant type: single nucleotide variant.
Coding change: c.1241T>C on transcript NM_001430.5 (MANE Select); coding-DNA position 1241, T replaced by C.
Protein change: p.Leu414Pro; replaces leucine 414 with proline.
Molecular consequence: missense variant.
Genome position (GRCh38, 1-based): chr2:46,376,745, T>C. VCF-style: chr2-46376745-T-C. GRCh37 (hg19) VCF-style: chr2-46603884-T-C.
Other names: short protein forms L414P.
Identifiers: ClinVar variation 1758496 (VCV001758496.2), dbSNP rs2546471770, ClinGen allele CA346703479.

ClinVar aggregate classification (germline): Uncertain significance (1 of 4 stars; one submission).

Conditions:
Inborn genetic diseases. Identifiers: MedGen C0950123, MeSH D030342.

Submission:

Ambry Genetics
Classification: Uncertain significance for Inborn genetic diseases. Last evaluated: 2022-04-19. Review status: criteria provided, single submitter. Criteria: Ambry Variant Classification Scheme 2023. Collection method: clinical testing. Allele origin: germline.
Comment: The p.L414P variant (also known as c.1241T>C), located in coding exon 9 of the EPAS1 gene, results from a T to C substitution at nucleotide position 1241. The leucine at codon 414 is replaced by proline, an amino acid with similar properties. This amino acid position is conserved. In addition, this alteration is predicted to be deleterious by in silico analysis. Since supporting evidence is limited at this time, the clinical significance of this alteration remains unclear.